The following is an entry in ClinVar:

ClinVar aggregate classification (germline): Conflicting classifications of pathogenicity. Review status: criteria provided, conflicting classifications (1 of 4 stars). 6 submissions from 6 submitters: Uncertain significance (1); Likely benign (4). 1 of the submissions does not count toward it. Last evaluated 2026-02-02.

Conditions:
CTSD-related disorder. Also called: CTSD-related condition.
Inborn genetic diseases. Identifiers: MedGen C0950123, MeSH D030342.
Neuronal ceroid lipofuscinosis. Also called: Neuronal Ceroid Lipofuscinoses. Identifiers: Orphanet 216, Orphanet 79263, MedGen C0027877, MONDO:0016295. Disease mechanism: loss of function.

Allele frequency attached by ClinVar (database versions not stated): gnomAD exomes 0.00006 and 0.00013; ExAC 0.00014; ESP Exome Variant Server 0.00031; gnomAD 0.00040 and 0.00042; TOPMed 0.00049; 1000 Genomes Project 30x 0.00078; 1000 Genomes Project 0.00100.
gnomAD v4.1: 147 of 1,613,810 alleles (0.0091%); highest among the groups gnomAD compares: African/African-American, 0.17%; no homozygotes.

Submissions (6):

Labcorp Genetics (formerly Invitae), Labcorp
Classification: Likely benign for Neuronal ceroid lipofuscinosis. Last evaluated: 2026-02-02. Review status: criteria provided, single submitter. Criteria: Invitae Variant Classification Sherloc (09022015). Collection method: clinical testing. Allele origin: germline.

Blueprint Genetics
Classification: Likely benign. Last evaluated: 2024-07-16. Review status: criteria provided, single submitter. Criteria: ACMG Guidelines, 2015. Collection method: clinical testing. Allele origin: germline.

CeGaT Center for Human Genetics Tuebingen
Classification: Likely benign. Last evaluated: 2022-12-01. Review status: criteria provided, single submitter. Criteria: CeGaT Center For Human Genetics Tuebingen Variant Classification Criteria Version 2. Collection method: clinical testing. Allele origin: germline. Affected: yes. Observed: 1 variant allele.
Comment: CTSD: BP4, BP7

Ambry Genetics
Classification: Likely benign for Inborn genetic diseases. Last evaluated: 2018-01-17. Review status: criteria provided, single submitter. Criteria: Ambry Variant Classification Scheme 2023. Collection method: clinical testing. Allele origin: germline.

Eurofins Ntd Llc (ga)
Classification: Uncertain significance. Last evaluated: 2015-06-04. Review status: criteria provided, single submitter. Criteria: EGL Classification Definitions 2015. Collection method: clinical testing. Allele origin: germline. Observed: 2 variant alleles, 2 heterozygotes.

PreventionGenetics, part of Exact Sciences
Classification: Likely benign for CTSD-related condition. Last evaluated: 2019-06-17. Review status: no assertion criteria provided. Collection method: clinical testing. Allele origin: germline. Not counted in ClinVar's aggregate classification.
Comment: This variant is classified as likely benign based on ACMG/AMP sequence variant interpretation guidelines (Richards et al. 2015 PMID: 25741868, with internal and published modifications).

NM_001909.5(CTSD):c.75G>A (p.Pro25=)

Genes: PRADX (PRC2 and DDX5 associated lncRNA; plus strand), CTSD (cathepsin D; minus strand). Cytogenetic location: 11p15.5.
Variant type: single nucleotide variant.
Coding change: c.75G>A on transcript NM_001909.5 (MANE Select); coding-DNA position 75, G replaced by A.
Protein change: p.Pro25=; no amino-acid change (proline 25 retained).
Molecular consequence: synonymous variant.
Genome position (GRCh38, 1-based): chr11:1,761,462, C>T on the plus strand (G>A on the coding strand, the complement: CTSD is on the minus strand). VCF-style: chr11-1761462-C-T. GRCh37 (hg19) VCF-style: chr11-1782692-C-T.
Identifiers: ClinVar variation 195156 (VCV000195156.44), dbSNP rs140563067, ClinGen allele CA241445.
Genomic context (GRCh38, chr11:1,761,462, plus strand): 5'-GTCCTCCACAGAGCCCCCAACCTCCGACATGGTCCGGCGGATGGACGTGAACTTGTGCAG[C>T]GGGATCCTGTCAACCACGGGTCGGGGCATATCAGGGAGGCCCTCCCGCCTGCCGGCCGAC-3'
Protein context (NP_001900.1, residues 15-35): AAPASALVRI[Pro25=]LHKFTSIRRT